The following is an entry in ClinVar:

NC_000007.14:g.(?_5989790)_(5989965_?)del

Gene: PMS2 (PMS1 homolog 2, mismatch repair system component; minus strand). Cytogenetic location: 7p22.1.
Variant type: Deletion.
Identifiers: ClinVar variation 583476 (VCV000583476.7).

ClinVar aggregate classification (germline): Pathogenic (1 of 4 stars; one submission).

Conditions:
Hereditary nonpolyposis colorectal neoplasms. Identifiers: MedGen C0009405, MeSH D003123.

Submission:

Labcorp Genetics (formerly Invitae), Labcorp
Classification: Pathogenic for Hereditary nonpolyposis colorectal neoplasms. Last evaluated: 2022-10-30. Review status: criteria provided, single submitter. Criteria: Invitae Variant Classification Sherloc (09022015). Collection method: clinical testing. Allele origin: germline.
Comment: This variant is a gross deletion of the genomic region encompassing exon(s) 10 of the PMS2 gene. This variant would be expected to be in-frame, preserving the integrity of the reading frame. A similar copy number variant has been observed in individuals with Lynch syndrome and constitutional mismatch repair deficiency syndrome (PMID: 16472587, 18602922, 22577899, 23837913, 26318770). For these reasons, this variant has been classified as Pathogenic.

Literature cited by the submitters: PubMed 16472587; PubMed 18602922; PubMed 22577899; PubMed 23837913; PubMed 26318770.